The following is an entry in ClinVar:

NM_174936.4(PCSK9):c.524-5G>A

Gene: PCSK9 (proprotein convertase subtilisin/kexin type 9; plus strand). Cytogenetic location: 1p32.3.
Variant type: single nucleotide variant.
Coding change: c.524-5G>A on transcript NM_174936.4 (MANE Select); 5 bases into the intron before coding-DNA position 524, G replaced by A.
Molecular consequence: intron variant.
Genome position (GRCh38, 1-based): chr1:55,052,273, G>A. VCF-style: chr1-55052273-G-A. GRCh37 (hg19) VCF-style: chr1-55517946-G-A.
Identifiers: ClinVar variation 1746317 (VCV001746317.3), dbSNP rs1440596151, ClinGen allele CA522960895.

ClinVar aggregate classification (germline): Conflicting classifications of pathogenicity. Review status: criteria provided, conflicting classifications (1 of 4 stars). 2 submissions from 2 submitters: Uncertain significance (1); Likely benign (1). Last evaluated 2024-05-14.

Conditions:
Hypercholesterolemia, autosomal dominant, 3 (FHCL3). Also called: Familial Hypercholesterolemia, Autosomal Dominant, 3; PCSK9-Related Familial Hypercholesterolemia, Autosomal Dominant; Familial hypercholesterolemia 3. Identifiers: MedGen C1863551, MONDO:0011369, OMIM 603776.
Cardiovascular phenotype. Identifiers: MedGen CN230736.

Allele frequency attached by ClinVar (database versions not stated): gnomAD exomes below 0.00001.
gnomAD v4.1: 2 of 1,614,002 alleles (0.00012%); highest among the groups gnomAD compares: African/African-American, 0.0013%; no homozygotes.

Submissions (2):

All of Us Research Program, National Institutes of Health
Classification: Likely benign for Hypercholesterolemia, autosomal dominant, 3. Last evaluated: 2024-05-14. Review status: criteria provided, single submitter. Criteria: ACMG Guidelines, 2015. Collection method: clinical testing. Allele origin: germline. Inheritance: Autosomal dominant inheritance. Observed: 1 variant allele, 1 heterozygote.
Comment: This study involves interpretation of variants in research participants for the purpose of population health screening. Participant phenotype was not available at the time of variant classification. Additional details can be found in publication PMID: 35346344, PMCID: PMC8962531

Ambry Genetics
Classification: Uncertain significance for Cardiovascular phenotype. Last evaluated: 2020-10-13. Review status: criteria provided, single submitter. Criteria: Ambry Variant Classification Scheme 2023. Collection method: clinical testing. Allele origin: germline.
Comment: The c.524-5G>A intronic variant results from a G to A substitution 5 nucleotides upstream from coding exon 4 in the PCSK9 gene. This nucleotide position is well conserved in available vertebrate species. In silico splice site analysis predicts that this alteration will not have any significant effect on splicing. Since supporting evidence is limited at this time, the clinical significance of this alteration remains unclear.